The following is an entry in ClinVar:

Conditions:
Breast-ovarian cancer, familial, susceptibility to, 1 (BROVCA1). Also called: BRCA1 Hereditary Breast and Ovarian Cancer; OVARIAN CANCER, SUSCEPTIBILITY TO. Identifiers: Orphanet 145, MedGen C2676676, MONDO:0011450, OMIM 604370. Disease mechanism: loss of function.

Submission:

Brotman Baty Institute, University of Washington
No classification provided (evidence only). Condition: Breast-ovarian cancer, familial 1. Review status: no classification provided. Collection method: in vitro. Allele origin: not applicable. Functional consequence: functionally_normal.
ClinVar note: "not provided" was previously submitted as the classification for the variant. However, the classification appeared to be based only on an observation of functional data so it was converted to no classification on 2025-07-30.

NM_007294.4(BRCA1):c.5084T>A (p.Phe1695Tyr)

Gene: BRCA1 (BRCA1 DNA repair associated; minus strand). Cytogenetic location: 17q21.31.
Variant type: single nucleotide variant.
Coding change: c.5084T>A on transcript NM_007294.4 (MANE Select); coding-DNA position 5084, T replaced by A.
Protein change: p.Phe1695Tyr; replaces phenylalanine 1695 with tyrosine.
Molecular consequence: missense variant. On other transcripts: non-coding transcript variant (1).
Genome position (GRCh38, 1-based): chr17:43,063,942, A>T on the plus strand (T>A on the coding strand, the complement: BRCA1 is on the minus strand). VCF-style: chr17-43063942-A-T. GRCh37 (hg19) VCF-style: chr17-41215959-A-T.
Other names: c.4871T>A, p.Phe1624Tyr (NM_001407571.1, NM_001407898.1, NM_001407899.1 and 12 more transcripts); c.5150T>A, p.Phe1717Tyr (NM_001407581.1, NM_001407582.1); c.5147T>A, p.Phe1716Tyr (NM_001407583.1, NM_001407585.1, NM_001407587.1 and 1 more transcripts); c.5144T>A, p.Phe1715Tyr (NM_001407590.1, NM_001407591.1); c.5084T>A, p.Phe1695Tyr (NM_001407593.1, NM_001407594.1, NM_001407596.1 and 7 more transcripts); c.5081T>A, p.Phe1694Tyr (NM_001407610.1, NM_001407611.1, NM_001407612.1 and 17 more transcripts); c.5078T>A, p.Phe1693Tyr (NM_001407627.1, NM_001407628.1, NM_001407629.1 and 14 more transcripts); c.5075T>A, p.Phe1692Tyr (NM_001407645.1, NM_001407644.1); and 71 more; short protein forms F1695Y, F591Y, F1648Y, F1716Y, F1398Y, F1566Y, F1606Y, F1607Y.
Identifiers: ClinVar variation 869010 (VCV000869010.3), dbSNP rs2051933725, ClinGen allele CA10591354.